The following is an entry in ClinVar:

ClinVar aggregate classification (germline): Likely benign (1 of 4 stars; one submission).

Conditions:
RAB23-related disorder. Also called: RAB23-related condition.

Submission:

PreventionGenetics, part of Exact Sciences
Classification: Likely benign for RAB23-related condition. Last evaluated: 2025-06-25. Review status: criteria provided, single submitter. Criteria: ACMG Guidelines, 2015. Collection method: clinical testing. Allele origin: germline.
Comment: This variant is classified as likely benign based on ACMG/AMP sequence variant interpretation guidelines (Richards et al. 2015 PMID: 25741868, with internal and published modifications).

NM_016277.5(RAB23):c.96C>A (p.Gly32=)

Gene: RAB23 (RAB23, member RAS oncogene family; minus strand). Cytogenetic location: 6p11.2.
Variant type: single nucleotide variant.
Coding change: c.96C>A on transcript NM_016277.5 (MANE Select); coding-DNA position 96, C replaced by A.
Protein change: p.Gly32=; no amino-acid change (glycine 32 retained).
Molecular consequence: synonymous variant. On other transcripts: non-coding transcript variant (1).
Genome position (GRCh38, 1-based): chr6:57,210,285, G>T on the plus strand (C>A on the coding strand, the complement: RAB23 is on the minus strand). VCF-style: chr6-57210285-G-T. GRCh37 (hg19) VCF-style: chr6-57075083-G-T.
Other names: c.96C>A, p.Gly32= (NM_001278666.2, NM_001278667.2, NM_001278668.2 and 1 more transcripts).
Identifiers: ClinVar variation 5002560 (VCV005002560.1).